The following is an entry in ClinVar:

NM_000066.4(C8B):c.1398+6C>T

Gene: C8B (complement C8 beta chain; minus strand). Cytogenetic location: 1p32.2.
Variant type: single nucleotide variant.
Coding change: c.1398+6C>T on transcript NM_000066.4 (MANE Select); 6 bases into the intron after coding-DNA position 1398, C replaced by T.
Molecular consequence: intron variant.
Genome position (GRCh38, 1-based): chr1:56,940,843, G>A on the plus strand (C>T on the coding strand, the complement: C8B is on the minus strand). VCF-style: chr1-56940843-G-A. GRCh37 (hg19) VCF-style: chr1-57406516-G-A.
Other names: c.1212+6C>T (NM_001278544.2); c.1242+6C>T (NM_001278543.2).
Identifiers: ClinVar variation 1159118 (VCV001159118.33), dbSNP rs373203493, ClinGen allele CA875658.
Genomic context (GRCh38, chr1:56,940,843, plus strand): 5'-TCATGGTAGGTCCTCAGAAGCTATTTTCTGGGTGGAGGAAAGGATGGGTAGAGCAGCGTT[G>A]TGTACCTTAACTTTGATGATGGCTGGGTTGTACTGCACAGCGTCTCCCCACTCCTGCATC-3'

ClinVar aggregate classification (germline): Benign/Likely benign. Review status: criteria provided, multiple submitters, no conflicts (2 of 4 stars). 4 submissions from 4 submitters: Benign (1); Likely benign (3). Last evaluated 2026-01-31.

Allele frequency attached by ClinVar (database versions not stated): ESP Exome Variant Server 0.00015; TOPMed 0.00029; gnomAD exomes 0.00050 and 0.00053; gnomAD 0.00052; ExAC 0.00055.
gnomAD v4.1: 800 of 1,614,004 alleles (0.05%); highest among the groups gnomAD compares: Non-Finnish European, 0.055%; no homozygotes.

Submissions (4):

Labcorp Genetics (formerly Invitae), Labcorp
Classification: Likely benign. Last evaluated: 2026-01-31. Review status: criteria provided, single submitter. Criteria: Invitae Variant Classification Sherloc (09022015). Collection method: clinical testing. Allele origin: germline.

CeGaT Center for Human Genetics Tuebingen
Classification: Likely benign. Last evaluated: 2025-07-01. Review status: criteria provided, single submitter. Criteria: CeGaT Center For Human Genetics Tuebingen Variant Classification Criteria Version 2. Collection method: clinical testing. Allele origin: germline. Affected: yes. Observed: 2 variant alleles.
Comment: C8B: BP4

Laboratory of Genetics, Children's Clinical University Hospital Latvia
Classification: Benign. Last evaluated: 2025-02-16. Review status: criteria provided, single submitter. Criteria: ACMG Guidelines, 2015. Collection method: clinical testing. Allele origin: germline. Affected: yes.

Blueprint Genetics
Classification: Likely benign. Last evaluated: 2024-11-22. Review status: criteria provided, single submitter. Criteria: ACMG Guidelines, 2015. Collection method: clinical testing. Allele origin: germline.